The following is an entry in ClinVar:

ClinVar aggregate classification (germline): Uncertain significance. Review status: criteria provided, multiple submitters, no conflicts (2 of 4 stars). 2 submissions from 2 submitters: Uncertain significance (2). Last evaluated 2024-04-23.

Conditions:
Hereditary pheochromocytoma and paraganglioma. Also called: Hereditary pheochromocytoma-paraganglioma; Hereditary paragangliomas and pheochromocytomas; Hereditary Paraganglioma-Pheochromocytoma Syndromes. Identifiers: Orphanet 29072, MedGen C4274332, MONDO:0017366.
Hereditary cancer-predisposing syndrome. Also called: Neoplastic Syndromes, Hereditary; Tumor predisposition; Hereditary Cancer Syndrome; Hereditary neoplastic syndrome. Identifiers: Orphanet 140162, MedGen C0027672, MeSH D009386, MONDO:0015356.

Submissions (2):

Labcorp Genetics (formerly Invitae), Labcorp
Classification: Uncertain significance for Hereditary pheochromocytoma and paraganglioma. Last evaluated: 2024-04-23. Review status: criteria provided, single submitter. Criteria: Invitae Variant Classification Sherloc (09022015). Collection method: clinical testing. Allele origin: germline.
Comment: This sequence change replaces lysine, which is basic and polar, with glutamic acid, which is acidic and polar, at codon 149 of the SDHAF2 protein (p.Lys149Glu). This variant is not present in population databases (gnomAD no frequency). This variant has not been reported in the literature in individuals affected with SDHAF2-related conditions. ClinVar contains an entry for this variant (Variation ID: 1740753). An algorithm developed to predict the effect of missense changes on protein structure and function (PolyPhen-2) suggests that this variant is likely to be tolerated. In summary, the available evidence is currently insufficient to determine the role of this variant in disease. Therefore, it has been classified as a Variant of Uncertain Significance.

Ambry Genetics
Classification: Uncertain significance for Hereditary cancer-predisposing syndrome. Last evaluated: 2020-06-25. Review status: criteria provided, single submitter. Criteria: Ambry Variant Classification Scheme 2023. Collection method: clinical testing. Allele origin: germline.
Comment: The p.K149E variant (also known as c.445A>G), located in coding exon 4 of the SDHAF2 gene, results from an A to G substitution at nucleotide position 445. The lysine at codon 149 is replaced by glutamic acid, an amino acid with similar properties. This amino acid position is well conserved in available vertebrate species. In addition, this alteration is predicted to be tolerated by in silico analysis. Since supporting evidence is limited at this time, the clinical significance of this alteration remains unclear.

NM_017841.4(SDHAF2):c.445A>G (p.Lys149Glu)

Gene: SDHAF2 (succinate dehydrogenase complex assembly factor 2; plus strand). Cytogenetic location: 11q12.2.
Variant type: single nucleotide variant.
Coding change: c.445A>G on transcript NM_017841.4 (MANE Select); coding-DNA position 445, A replaced by G.
Protein change: p.Lys149Glu; replaces lysine 149 with glutamic acid.
Molecular consequence: missense variant.
Genome position (GRCh38, 1-based): chr11:61,446,015, A>G. VCF-style: chr11-61446015-A-G. GRCh37 (hg19) VCF-style: chr11-61213487-A-G.
Other names: short protein forms K149E.
Identifiers: ClinVar variation 1740753 (VCV001740753.5), dbSNP rs2540133081, ClinGen allele CA380685412.